The following is an entry in ClinVar:

NM_001036.6(RYR3):c.6712A>G (p.Asn2238Asp)

Gene: RYR3 (ryanodine receptor 3; plus strand). Cytogenetic location: 15q14.
Variant type: single nucleotide variant.
Coding change: c.6712A>G on transcript NM_001036.6 (MANE Select); coding-DNA position 6712, A replaced by G.
Protein change: p.Asn2238Asp; replaces asparagine 2238 with aspartic acid.
Molecular consequence: missense variant.
Genome position (GRCh38, 1-based): chr15:33,722,807, A>G. VCF-style: chr15-33722807-A-G. GRCh37 (hg19) VCF-style: chr15-34015008-A-G.
Other names: c.6712A>G, p.Asn2238Asp (NM_001243996.4); short protein forms N2238D.
Identifiers: ClinVar variation 862512 (VCV000862512.9), dbSNP rs1211168792, ClinGen allele CA391587120.

ClinVar aggregate classification (germline): Uncertain significance (1 of 4 stars; one submission).

Conditions:
Epileptic encephalopathy. Identifiers: MedGen C0543888, HP:0200134.

Allele frequency attached by ClinVar (database versions not stated): gnomAD exomes below 0.00001 and 0.00001; gnomAD 0.00001; TOPMed 0.00002.
gnomAD v4.1: 4 of 1,613,266 alleles (0.00025%); highest among the groups gnomAD compares: Admixed American, 0.0033%; no homozygotes.

Submission:

Labcorp Genetics (formerly Invitae), Labcorp
Classification: Uncertain significance for Epileptic encephalopathy. Last evaluated: 2019-02-04. Review status: criteria provided, single submitter. Criteria: Invitae Variant Classification Sherloc (09022015). Collection method: clinical testing. Allele origin: germline.
Comment: In summary, the available evidence is currently insufficient to determine the role of this variant in disease. Therefore, it has been classified as a Variant of Uncertain Significance. Algorithms developed to predict the effect of missense changes on protein structure and function (SIFT, PolyPhen-2, Align-GVGD) all suggest that this variant is likely to be tolerated, but these predictions have not been confirmed by published functional studies and their clinical significance is uncertain. This variant has not been reported in the literature in individuals with RYR3-related conditions. This variant is not present in population databases (ExAC no frequency). This sequence change replaces asparagine with aspartic acid at codon 2238 of the RYR3 protein (p.Asn2238Asp). The asparagine residue is moderately conserved and there is a small physicochemical difference between asparagine and aspartic acid.